The following is an entry in ClinVar:

ClinVar aggregate classification (germline): Uncertain significance (1 of 4 stars; one submission).

Submission:

Labcorp Genetics (formerly Invitae), Labcorp
Classification: Uncertain significance. Last evaluated: 2021-08-19. Review status: criteria provided, single submitter. Criteria: Invitae Variant Classification Sherloc (09022015). Collection method: clinical testing. Allele origin: germline.
Comment: In summary, the available evidence is currently insufficient to determine the role of this variant in disease. Therefore, it has been classified as a Variant of Uncertain Significance. Algorithms developed to predict the effect of missense changes on protein structure and function are either unavailable or do not agree on the potential impact of this missense change (SIFT: "Deleterious"; PolyPhen-2: "Benign"; Align-GVGD: "Class C55"). This variant has not been reported in the literature in individuals affected with DRP2-related conditions. This variant is not present in population databases (ExAC no frequency). This sequence change replaces lysine with glutamic acid at codon 782 of the DRP2 protein (p.Lys782Glu). The lysine residue is highly conserved and there is a small physicochemical difference between lysine and glutamic acid.

NM_001939.3(DRP2):c.2344A>G (p.Lys782Glu)

Gene: DRP2 (dystrophin related protein 2; plus strand). Cytogenetic location: Xq22.1.
Variant type: single nucleotide variant.
Coding change: c.2344A>G on transcript NM_001939.3 (MANE Select); coding-DNA position 2344, A replaced by G.
Protein change: p.Lys782Glu; replaces lysine 782 with glutamic acid.
Molecular consequence: missense variant.
Genome position (GRCh38, 1-based): chrX:101,256,215, A>G. VCF-style: chrX-101256215-A-G. GRCh37 (hg19) VCF-style: chrX-100511204-A-G.
Other names: c.2110A>G, p.Lys704Glu (NM_001171184.2); short protein forms K782E, K704E.
Identifiers: ClinVar variation 1347414 (VCV001347414.6), dbSNP rs2147352436, ClinGen allele CA413909186.